The following is an entry in ClinVar:

ClinVar aggregate classification (germline): Uncertain significance. Review status: criteria provided, single submitter (1 of 4 stars). 2 submissions from 2 submitters: Uncertain significance (1). 1 of the submissions does not count toward it. Last evaluated 2017-06-29.

Conditions:
GPBAR1-related disorder. Also called: GPBAR1-related condition.

Allele frequency attached by ClinVar (database versions not stated): gnomAD 0.00001; gnomAD exomes 0.00002 and 0.00005; TOPMed 0.00003; ExAC 0.00005.
gnomAD v4.1: 32 of 1,605,694 alleles (0.002%); highest among the groups gnomAD compares: Admixed American, 0.015%; no homozygotes.

Submissions (2):

Eurofins Ntd Llc (ga)
Classification: Uncertain significance. Last evaluated: 2017-06-29. Review status: criteria provided, single submitter. Criteria: EGL Classification Definitions 2015. Collection method: clinical testing. Allele origin: germline. Observed: 2 variant alleles, 2 heterozygotes.

PreventionGenetics, part of Exact Sciences
Classification: Uncertain significance for GPBAR1-related condition. Last evaluated: 2024-08-01. Review status: no assertion criteria provided. Collection method: clinical testing. Allele origin: germline. Not counted in ClinVar's aggregate classification.
Comment: The GPBAR1 c.580C>T variant is predicted to result in the amino acid substitution p.Arg194Cys. To our knowledge, this variant has not been reported in the literature. This variant is reported in 0.026% of alleles in individuals of Latino descent in gnomAD. Although we suspect that this variant may be benign, at this time, the clinical significance of this variant is uncertain due to the absence of conclusive functional and genetic evidence.

NM_170699.3(GPBAR1):c.580C>T (p.Arg194Cys)

Gene: GPBAR1 (G protein-coupled bile acid receptor 1; plus strand). Cytogenetic location: 2q35.
Variant type: single nucleotide variant.
Coding change: c.580C>T on transcript NM_170699.3 (MANE Select); coding-DNA position 580, C replaced by T.
Protein change: p.Arg194Cys; replaces arginine 194 with cysteine.
Molecular consequence: missense variant.
Genome position (GRCh38, 1-based): chr2:218,263,304, C>T. VCF-style: chr2-218263304-C-T. GRCh37 (hg19) VCF-style: chr2-219128027-C-T.
Other names: c.580C>T, p.Arg194Cys (NM_001077191.2, NM_001077194.2, NM_001321950.2); c.580C>T (NM_001321950.1); short protein forms R194C.
Identifiers: ClinVar variation 502791 (VCV000502791.6), dbSNP rs764881762, ClinGen allele CA2102623.
Genomic context (GRCh38, chr2:218,263,304, plus strand): 5'-CTGCTGCCCGCCGTGGGTGCTGCTGCCTTCCTCTCTGTCCGCGTGCTGGCCACTGCCCAC[C>T]GCCAGCTGCAGGACATCTGCCGGCTGGAGCGGGCAGTGTGCCGCGATGAGCCCTCCGCCC-3'
Protein context (NP_733800.1, residues 184-204): LSVRVLATAH[Arg194Cys]QLQDICRLER